The following is an entry in ClinVar:

NM_020754.4(ARHGAP31):c.1911G>C (p.Val637=)

Gene: ARHGAP31 (Rho GTPase activating protein 31; plus strand). Cytogenetic location: 3q13.33.
Variant type: single nucleotide variant.
Coding change: c.1911G>C on transcript NM_020754.4 (MANE Select); coding-DNA position 1911, G replaced by C.
Protein change: p.Val637=; no amino-acid change (valine 637 retained).
Molecular consequence: synonymous variant.
Genome position (GRCh38, 1-based): chr3:119,409,761, G>C. VCF-style: chr3-119409761-G-C. GRCh37 (hg19) VCF-style: chr3-119128608-G-C.
Other names: c.1911G>C (NM_020754.3).
Identifiers: ClinVar variation 1912514 (VCV001912514.7), dbSNP rs531868347, ClinGen allele CA2553925.
Genomic context (GRCh38, chr3:119,409,761, plus strand): 5'-GGCTGGTGAGATGGAGTCCAGCACCCTGCAGGAGAGCCCCAGGGCCAGAGCCGAAGCTGT[G>C]CTTCTCCATGAGATGGTAAAGTGCATTCTCCACCTGCTCCAGCCAGGTGGAGTTATTTTT-3'
Protein context (NP_065805.2, residues 627-647): QESPRARAEA[Val637=]LLHEMDEDDL

ClinVar aggregate classification (germline): Likely benign. Review status: criteria provided, single submitter (1 of 4 stars). 2 submissions from 2 submitters: Likely benign (1). 1 of the submissions does not count toward it. Last evaluated 2022-02-25.

Conditions:
ARHGAP31-related disorder. Also called: ARHGAP31-related condition.

Allele frequency attached by ClinVar (database versions not stated): gnomAD 0.00001; gnomAD exomes 0.00001; 1000 Genomes Project 30x 0.00016; 1000 Genomes Project 0.00020.
gnomAD v4.1: 12 of 1,603,714 alleles (0.00075%); highest among the groups gnomAD compares: South Asian, 0.0056%; no homozygotes.

Submissions (2):

Labcorp Genetics (formerly Invitae), Labcorp
Classification: Likely benign. Last evaluated: 2022-02-25. Review status: criteria provided, single submitter. Criteria: Invitae Variant Classification Sherloc (09022015). Collection method: clinical testing. Allele origin: germline.

PreventionGenetics, part of Exact Sciences
Classification: Likely benign for ARHGAP31-related condition. Last evaluated: 2020-05-04. Review status: no assertion criteria provided. Collection method: clinical testing. Allele origin: germline. Not counted in ClinVar's aggregate classification.
Comment: This variant is classified as likely benign based on ACMG/AMP sequence variant interpretation guidelines (Richards et al. 2015 PMID: 25741868, with internal and published modifications).